The following is an entry in ClinVar:

NM_001370466.1(NOD2):c.331C>T (p.Arg111Trp)

Gene: NOD2 (nucleotide binding oligomerization domain containing 2; plus strand). Cytogenetic location: 16q12.1.
Variant type: single nucleotide variant.
Coding change: c.331C>T on transcript NM_001370466.1 (MANE Select); coding-DNA position 331, C replaced by T.
Protein change: p.Arg111Trp; replaces arginine 111 with tryptophan.
Molecular consequence: missense variant. On other transcripts: non-coding transcript variant (1).
Genome position (GRCh38, 1-based): chr16:50,699,826, C>T. VCF-style: chr16-50699826-C-T. GRCh37 (hg19) VCF-style: chr16-50733737-C-T.
Other names: c.331C>T, p.Arg111Trp (NM_001293557.2); c.412C>T, p.Arg138Trp (NM_022162.3); short protein forms R111W, R138W.
Identifiers: ClinVar variation 1694796 (VCV001694796.33), dbSNP rs184502667, ClinGen allele CA8051272.

ClinVar aggregate classification (germline): Likely benign. Review status: criteria provided, multiple submitters, no conflicts (2 of 4 stars). 2 submissions from 2 submitters: Likely benign (2). Last evaluated 2024-07-12.

Conditions:
Blau syndrome (BLAUS). Also called: ARTHROCUTANEOUVEAL GRANULOMATOSIS; GRANULOMATOSIS, FAMILIAL JUVENILE SYSTEMIC; GRANULOMATOSIS, FAMILIAL, BLAU TYPE; GRANULOMATOUS INFLAMMATORY ARTHRITIS, DERMATITIS, AND UVEITIS, FAMILIAL; JABS SYNDROME. Identifiers: Orphanet 90340, MedGen C5201146, MONDO:0008523, OMIM 186580.
Regional enteritis. Also called: Enteritis, Granulomatous. Identifiers: MedGen C0678202, MeSH D003424.

Allele frequency attached by ClinVar (database versions not stated): gnomAD 0.00001; TOPMed 0.00002; ExAC 0.00004; gnomAD exomes 0.00004.
gnomAD v4.1: 24 of 1,613,394 alleles (0.0015%); highest among the groups gnomAD compares: Admixed American, 0.0083%; 1 homozygote.

Submissions (2):

Labcorp Genetics (formerly Invitae), Labcorp
Classification: Likely benign for Regional enteritis; Blau syndrome. Last evaluated: 2024-07-12. Review status: criteria provided, single submitter. Criteria: Invitae Variant Classification Sherloc (09022015). Collection method: clinical testing. Allele origin: germline.

CeGaT Center for Human Genetics Tuebingen
Classification: Likely benign. Last evaluated: 2022-05-01. Review status: criteria provided, single submitter. Criteria: CeGaT Center For Human Genetics Tuebingen Variant Classification Criteria Version 2. Collection method: clinical testing. Allele origin: germline. Affected: yes. Observed: 1 variant allele.
Comment: NOD2: BP4